The following is an entry in ClinVar:

ClinVar aggregate classification (germline): Uncertain significance. Review status: criteria provided, multiple submitters, no conflicts (2 of 4 stars). 2 submissions from 2 submitters: Uncertain significance (2). Last evaluated 2025-09-27.

Conditions:
King Denborough syndrome (KDS). Identifiers: MedGen C1840365, MONDO:0020485, OMIM 619542.
RYR1-related disorder. Also called: RYR1-related disorders; RYR1-related condition. Identifiers: MedGen CN239331.

Submissions (2):

Dasa
Classification: Uncertain significance for King Denborough syndrome. Last evaluated: 2025-09-27. Review status: criteria provided, single submitter. Criteria: DASA Assertion Criteria. Collection method: clinical testing. Allele origin: germline.
Comment: NM_000540.3(RYR1):c.12259A>C (p.Ile4087Leu) is a missense variant that results in the substitution of isoleucine with leucine. This variant is absent from population databases. Computational prediction algorithms are consistent with a deleterious effect. The currently available literature and clinical evidence are not sufficient to establish a definitive association between this variant and the reported condition. Therefore, this variant is classified as a variant of uncertain significance.

Labcorp Genetics (formerly Invitae), Labcorp
Classification: Uncertain significance for RYR1-related disorder. Last evaluated: 2021-05-31. Review status: criteria provided, single submitter. Criteria: Invitae Variant Classification Sherloc (09022015). Collection method: clinical testing. Allele origin: germline.
Comment: This sequence change replaces isoleucine with leucine at codon 4087 of the RYR1 protein (p.Ile4087Leu). The isoleucine residue is moderately conserved and there is a small physicochemical difference between isoleucine and leucine. This variant is not present in population databases (ExAC no frequency). This variant has not been reported in the literature in individuals with RYR1-related conditions. In summary, the available evidence is currently insufficient to determine the role of this variant in disease. Therefore, it has been classified as a Variant of Uncertain Significance. Advanced modeling of protein sequence and biophysical properties (such as structural, functional, and spatial information, amino acid conservation, physicochemical variation, residue mobility, and thermodynamic stability) performed at Invitae indicates that this missense variant is not expected to disrupt RYR1 protein function.

NM_000540.3(RYR1):c.12259A>C (p.Ile4087Leu)

Gene: RYR1 (ryanodine receptor 1; plus strand). Cytogenetic location: 19q13.2.
Variant type: single nucleotide variant.
Coding change: c.12259A>C on transcript NM_000540.3 (MANE Select); coding-DNA position 12259, A replaced by C.
Protein change: p.Ile4087Leu; replaces isoleucine 4087 with leucine.
Molecular consequence: missense variant.
Genome position (GRCh38, 1-based): chr19:38,548,397, A>C. VCF-style: chr19-38548397-A-C. GRCh37 (hg19) VCF-style: chr19-39039037-A-C.
Other names: c.12244A>C, p.Ile4082Leu (NM_001042723.2); short protein forms I4082L, I4087L.
Identifiers: ClinVar variation 1505119 (VCV001505119.10), dbSNP rs2145790843, ClinGen allele CA405665970.